The following is an entry in ClinVar:

NM_004863.4(SPTLC2):c.523T>C (p.Ser175Pro)

Gene: SPTLC2 (serine palmitoyltransferase long chain base subunit 2; minus strand). Cytogenetic location: 14q24.3.
Variant type: single nucleotide variant.
Coding change: c.523T>C on transcript NM_004863.4 (MANE Select); coding-DNA position 523, T replaced by C.
Protein change: p.Ser175Pro; replaces serine 175 with proline.
Molecular consequence: missense variant.
Genome position (GRCh38, 1-based): chr14:77,576,875, A>G on the plus strand (T>C on the coding strand, the complement: SPTLC2 is on the minus strand). VCF-style: chr14-77576875-A-G. GRCh37 (hg19) VCF-style: chr14-78043218-A-G.
Other names: short protein forms S175P.
Identifiers: ClinVar variation 1719874 (VCV001719874.5), dbSNP rs2503515670, ClinGen allele CA390699425.

ClinVar aggregate classification (germline): Uncertain significance (1 of 4 stars; one submission).

Conditions:
Neuropathy, hereditary sensory and autonomic, type 1C. Also called: HSAN IC; HSN IC. Identifiers: Orphanet 36386, MedGen C3150896, MONDO:0013337, OMIM 613640.

Submission:

Labcorp Genetics (formerly Invitae), Labcorp
Classification: Uncertain significance for Neuropathy, hereditary sensory and autonomic, type 1C. Last evaluated: 2022-09-20. Review status: criteria provided, single submitter. Criteria: Invitae Variant Classification Sherloc (09022015). Collection method: clinical testing. Allele origin: germline.
Comment: This sequence change replaces serine, which is neutral and polar, with proline, which is neutral and non-polar, at codon 175 of the SPTLC2 protein (p.Ser175Pro). In summary, the available evidence is currently insufficient to determine the role of this variant in disease. Therefore, it has been classified as a Variant of Uncertain Significance. Advanced modeling of protein sequence and biophysical properties (such as structural, functional, and spatial information, amino acid conservation, physicochemical variation, residue mobility, and thermodynamic stability) performed at Invitae indicates that this missense variant is expected to disrupt SPTLC2 protein function. This variant has not been reported in the literature in individuals affected with SPTLC2-related conditions. This variant is not present in population databases (gnomAD no frequency).